The following is an entry in ClinVar:

NM_005733.3(KIF20A):c.832+1G>T

Gene: KIF20A (kinesin family member 20A; plus strand). Cytogenetic location: 5q31.2.
Variant type: single nucleotide variant.
Coding change: c.832+1G>T on transcript NM_005733.3 (MANE Select); the canonical splice donor site of the intron after coding-DNA position 832, G replaced by T.
Molecular consequence: splice donor variant.
Genome position (GRCh38, 1-based): chr5:138,182,991, G>T. VCF-style: chr5-138182991-G-T. GRCh37 (hg19) VCF-style: chr5-137518680-G-T.
Identifiers: ClinVar variation 4702451 (VCV004702451.1).

ClinVar aggregate classification (germline): Uncertain significance (1 of 4 stars; one submission).

gnomAD v4.1: 49 of 1,613,958 alleles (0.003%); highest among the groups gnomAD compares: Non-Finnish European, 0.0041%; no homozygotes.

Submission:

Labcorp Genetics (formerly Invitae), Labcorp
Classification: Uncertain significance. Last evaluated: 2025-12-16. Review status: criteria provided, single submitter. Criteria: Invitae Variant Classification Sherloc (09022015). Collection method: clinical testing. Allele origin: germline.
Comment: This sequence change affects a donor splice site in intron 7 of the KIF20A gene. It is expected to disrupt RNA splicing. Variants that disrupt the donor or acceptor splice site typically lead to a loss of protein function (PMID: 16199547), however the current clinical and genetic evidence is not sufficient to establish whether loss-of-function variants in KIF20A cause disease. This variant is present in population databases (rs760638384, gnomAD 0.005%). This variant has not been reported in the literature in individuals affected with KIF20A-related conditions. Algorithms developed to predict the effect of sequence changes on RNA splicing suggest that this variant may disrupt the consensus splice site. In summary, the available evidence is currently insufficient to determine the role of this variant in disease. Therefore, it has been classified as a Variant of Uncertain Significance.

Literature cited by the submitters: PubMed 16199547.